The following is an entry in ClinVar:

ClinVar aggregate classification (germline): Uncertain significance (1 of 4 stars; one submission).

Conditions:
Cardiovascular phenotype. Identifiers: MedGen CN230736.

Submission:

Ambry Genetics
Classification: Uncertain significance for Cardiovascular phenotype. Last evaluated: 2025-06-10. Review status: criteria provided, single submitter. Criteria: Ambry Variant Classification Scheme 2023. Collection method: clinical testing. Allele origin: germline.
Comment: The p.E289K variant (also known as c.865G>A), located in coding exon 2 of the JPH2 gene, results from a G to A substitution at nucleotide position 865. The glutamic acid at codon 289 is replaced by lysine, an amino acid with similar properties. This amino acid position is conserved. In addition, the in silico prediction for this alteration is inconclusive. Based on the available evidence, the clinical significance of this variant remains unclear.

NM_020433.5(JPH2):c.865G>A (p.Glu289Lys)

Gene: JPH2 (junctophilin 2; minus strand). Cytogenetic location: 20q13.12.
Variant type: single nucleotide variant.
Coding change: c.865G>A on transcript NM_020433.5 (MANE Select); coding-DNA position 865, G replaced by A.
Protein change: p.Glu289Lys; replaces glutamic acid 289 with lysine.
Molecular consequence: missense variant.
Genome position (GRCh38, 1-based): chr20:44,159,922, C>T on the plus strand (G>A on the coding strand, the complement: JPH2 is on the minus strand). VCF-style: chr20-44159922-C-T. GRCh37 (hg19) VCF-style: chr20-42788562-C-T.
Other names: short protein forms E289K.
Identifiers: ClinVar variation 4040916 (VCV004040916.1).